The following is an entry in ClinVar:

NM_007294.4(BRCA1):c.134+4177A>G

Gene: BRCA1 (BRCA1 DNA repair associated; minus strand). Cytogenetic location: 17q21.31.
Variant type: single nucleotide variant.
Coding change: c.134+4177A>G on transcript NM_007294.4 (MANE Select); 4177 bases into the intron after coding-DNA position 134, A replaced by G.
Molecular consequence: intron variant.
Genome position (GRCh38, 1-based): chr17:43,111,549, T>C on the plus strand (A>G on the coding strand, the complement: BRCA1 is on the minus strand). VCF-style: chr17-43111549-T-C. GRCh37 (hg19) VCF-style: chr17-41263566-T-C.
Other names: IVS 3+4177A>G; c.-8+4177A>G (NM_001408458.1, NM_001408470.1, NM_001407848.1 and 47 more transcripts); c.-219+13728A>G (NM_001407967.1); c.-169-6593A>G (NM_001407959.1, NM_001407963.1); c.-7-5016A>G (NM_001407931.1, NM_001407747.1, NM_001408461.1 and 30 more transcripts); c.-170+4177A>G (NM_001407962.1, NM_001408512.1, NM_001408510.1 and 1 more transcripts); c.-55+4177A>G (NM_001407885.1, NM_001407886.1, NM_001408509.1 and 52 more transcripts); c.-123-969A>G (NM_001407746.1, NM_001408468.1, NM_001407842.1 and 13 more transcripts); and 10 more.
Identifiers: ClinVar variation 209516 (VCV000209516.2), dbSNP rs8176117, ClinGen allele CA276485.

ClinVar aggregate classification (germline): Benign (3 of 4 stars; one submission).

Conditions:
Breast-ovarian cancer, familial, susceptibility to, 1 (BROVCA1). Also called: BRCA1 Hereditary Breast and Ovarian Cancer; OVARIAN CANCER, SUSCEPTIBILITY TO. Identifiers: Orphanet 145, MedGen C2676676, MONDO:0011450, OMIM 604370. Disease mechanism: loss of function.

Allele frequency attached by ClinVar (database versions not stated): TOPMed 0.30617; gnomAD 0.32382 and 0.33142; 1000 Genomes Project 30x 0.35181; 1000 Genomes Project 0.35703.
gnomAD v4.1: 48,503 of 146,314 alleles (33%); highest among the groups gnomAD compares: South Asian, 51%; 8,044 homozygotes.

Submission:

Evidence-based Network for the Interpretation of Germline Mutant Alleles (ENIGMA)
Classification: Benign for Breast-ovarian cancer, familial 1. Last evaluated: 2015-01-12. Review status: reviewed by expert panel. Criteria: ENIGMA BRCA1/2 Classification Criteria (2015). Collection method: curation. Allele origin: germline.
Comment: Class 1 not pathogenic based on frequency >1% in an outbred sampleset. Frequency 0.3304 (Asian), 0.2317 (African), 0.3575 (European), derived from 1000 genomes (2012-04-30).